The following is an entry in ClinVar:

ClinVar aggregate classification (germline): Uncertain significance (1 of 4 stars; one submission).

Submission:

GeneDx
Classification: Uncertain significance. Last evaluated: 2026-02-21. Review status: criteria provided, single submitter. Criteria: GeneDx Variant Classification Process June 2021. Collection method: clinical testing. Allele origin: germline.
Comment: Not observed at significant frequency in large population cohorts (gnomAD); In silico analysis supports that this missense variant has a deleterious effect on protein structure/function; Has not been previously published as pathogenic or benign to our knowledge; This variant is associated with the following publications: (PMID: 12070251)

NM_004380.3(CREBBP):c.4239C>G (p.His1413Gln)

Gene: CREBBP (CREB binding lysine acetyltransferase; minus strand). Cytogenetic location: 16p13.3.
Variant type: single nucleotide variant.
Coding change: c.4239C>G on transcript NM_004380.3 (MANE Select); coding-DNA position 4239, C replaced by G.
Protein change: p.His1413Gln; replaces histidine 1413 with glutamine.
Molecular consequence: missense variant.
Genome position (GRCh38, 1-based): chr16:3,739,619, G>C on the plus strand (C>G on the coding strand, the complement: CREBBP is on the minus strand). VCF-style: chr16-3739619-G-C. GRCh37 (hg19) VCF-style: chr16-3789620-G-C.
Other names: c.4125C>G, p.His1375Gln (NM_001079846.1); short protein forms H1413Q, H1375Q.
Identifiers: ClinVar variation 5009931 (VCV005009931.1).